The following is an entry in ClinVar:

NM_000807.4(GABRA2):c.1018A>G (p.Arg340Gly)

Gene: GABRA2 (gamma-aminobutyric acid type A receptor subunit alpha2; minus strand). Cytogenetic location: 4p12.
Variant type: single nucleotide variant.
Coding change: c.1018A>G on transcript NM_000807.4 (MANE Select); coding-DNA position 1018, A replaced by G.
Protein change: p.Arg340Gly; replaces arginine 340 with glycine.
Molecular consequence: missense variant.
Genome position (GRCh38, 1-based): chr4:46,261,967, T>C on the plus strand (A>G on the coding strand, the complement: GABRA2 is on the minus strand). VCF-style: chr4-46261967-T-C. GRCh37 (hg19) VCF-style: chr4-46263984-T-C.
Other names: c.1018A>G, p.Arg340Gly (NM_001114175.3, NM_001330690.2, NM_001377144.1 and 8 more transcripts); c.853A>G, p.Arg285Gly (NM_001286827.3, NM_001377152.1, NM_001377153.1 and 1 more transcripts); short protein forms R285G, R340G.
Identifiers: ClinVar variation 3371776 (VCV003371776.1).
Genomic context (GRCh38, chr4:46,261,967, plus strand): 5'-CACGGAAGCTCTCACTTACCTTGTCATTTACTACACTCTTCCCATCCCAAGCCCATCCTC[T>C]TTTGGTGAAGTAATTAACAGTTGCAAATTCAATTAGGGCAGAGAACACAAATGCATAACA-3'
Protein context (NP_000798.2, residues 330-350): EFATVNYFTK[Arg340Gly]GWAWDGKSVV

ClinVar aggregate classification (germline): Uncertain significance (1 of 4 stars; one submission).

Submission:

GeneDx
Classification: Uncertain significance. Last evaluated: 2024-04-08. Review status: criteria provided, single submitter. Criteria: GeneDx Variant Classification Process June 2021. Collection method: clinical testing. Allele origin: germline. Affected: yes.
Comment: Not observed at significant frequency in large population cohorts (gnomAD); In silico analysis supports that this missense variant has a deleterious effect on protein structure/function; Has not been previously published as pathogenic or benign to our knowledge